The following is an entry in ClinVar:

ClinVar aggregate classification (germline): Uncertain significance (1 of 4 stars; one submission).

Submission:

Greenwood Genetic Center Diagnostic Laboratories, Greenwood Genetic Center
Classification: Uncertain significance. Last evaluated: 2025-06-26. Review status: criteria provided, single submitter. Criteria: ACMG Guidelines, 2015. Collection method: clinical testing. Allele origin: germline. Affected: yes.
Comment: Gene of Uncertain Significance

NM_006256.4(PKN2):c.1484T>A (p.Ile495Asn)

Gene: PKN2 (protein kinase N2; plus strand). Cytogenetic location: 1p22.2.
Variant type: single nucleotide variant.
Coding change: c.1484T>A on transcript NM_006256.4 (MANE Select); coding-DNA position 1484, T replaced by A.
Protein change: p.Ile495Asn; replaces isoleucine 495 with asparagine.
Molecular consequence: missense variant.
Genome position (GRCh38, 1-based): chr1:88,804,904, T>A. VCF-style: chr1-88804904-T-A. GRCh37 (hg19) VCF-style: chr1-89270587-T-A.
Other names: c.1340T>A, p.Ile447Asn (NM_001320707.2); c.1013T>A, p.Ile338Asn (NM_001320708.2); c.1436T>A, p.Ile479Asn (NM_001320709.2); short protein forms I338N, I447N, I479N, I495N.
Identifiers: ClinVar variation 4538346 (VCV004538346.1).
Genomic context (GRCh38, chr1:88,804,904, plus strand): 5'-AGGTTACCTTTTTTAATCCAGTTATTGAAAGAAGACCAAAACTTCAAAGACAAAAGAAAA[T>A]TTTTTCAAAGCAACAAGGTAATTACTAACAATCAAATGCATAGCATTTTGATATTTTCTT-3'
Protein context (NP_006247.1, residues 485-505): RRPKLQRQKK[Ile495Asn]FSKQQGKTFL